The following is an entry in ClinVar:

ClinVar aggregate classification (germline): Uncertain significance (1 of 4 stars; one submission).

gnomAD v4.1: 1 of 1,612,992 alleles (0.000062%); highest among the groups gnomAD compares: Non-Finnish European, 0.000085%; no homozygotes.

Submission:

GeneDx
Classification: Uncertain significance. Last evaluated: 2022-02-01. Review status: criteria provided, single submitter. Criteria: GeneDx Variant Classification Process June 2021. Collection method: clinical testing. Allele origin: germline. Affected: yes.
Comment: Not observed at significant frequency in large population cohorts (gnomAD); In silico analysis supports that this missense variant does not alter protein structure/function; Has not been previously published as pathogenic or benign to our knowledge

NM_000170.3(GLDC):c.2632G>A (p.Ala878Thr)

Gene: GLDC (glycine decarboxylase; minus strand). Cytogenetic location: 9p24.1.
Variant type: single nucleotide variant.
Coding change: c.2632G>A on transcript NM_000170.3 (MANE Select); coding-DNA position 2632, G replaced by A.
Protein change: p.Ala878Thr; replaces alanine 878 with threonine.
Molecular consequence: missense variant.
Genome position (GRCh38, 1-based): chr9:6,540,084, C>T on the plus strand (G>A on the coding strand, the complement: GLDC is on the minus strand). VCF-style: chr9-6540084-C-T. GRCh37 (hg19) VCF-style: chr9-6540084-C-T.
Other names: short protein forms A878T.
Identifiers: ClinVar variation 1699706 (VCV001699706.2), dbSNP rs2129663107, ClinGen allele CA372883557.
Genomic context (GRCh38, chr9:6,540,084, plus strand): 5'-GCGGCATGAATGTCAAAAGCCACTTACCATAATCCTGGAGTCTCTTGGCCACATCCACAG[C>T]CTCAATATTTGCAGACTTTTTGAAGGGTCTCGTGTCCAAAATAAATTCATGACCCACATA-3'
Protein context (NP_000161.2, residues 868-888): RPFKKSANIE[Ala878Thr]VDVAKRLQDY